The following is an entry in ClinVar:

ClinVar aggregate classification (germline): Uncertain significance. Review status: criteria provided, multiple submitters, no conflicts (2 of 4 stars). 3 submissions from 3 submitters: Uncertain significance (3). Last evaluated 2023-12-20.

Allele frequency attached by ClinVar (database versions not stated): ExAC 0.00001; gnomAD exomes 0.00001; gnomAD 0.00006 and 0.00007; TOPMed 0.00007.
gnomAD v4.1: 12 of 1,613,948 alleles (0.00074%); highest among the groups gnomAD compares: African/African-American, 0.016%; no homozygotes.

Submissions (3):

Revvity Omics, Revvity
Classification: Uncertain significance. Last evaluated: 2023-12-20. Review status: criteria provided, single submitter. Criteria: ACMG Guidelines, 2015. Collection method: clinical testing. Allele origin: germline.

Labcorp Genetics (formerly Invitae), Labcorp
Classification: Uncertain significance. Last evaluated: 2023-11-28. Review status: criteria provided, single submitter. Criteria: Invitae Variant Classification Sherloc (09022015). Collection method: clinical testing. Allele origin: germline.
Comment: This sequence change replaces leucine, which is neutral and non-polar, with valine, which is neutral and non-polar, at codon 854 of the HK1 protein (p.Leu854Val). This variant is present in population databases (rs776178081, gnomAD 0.02%). This variant has not been reported in the literature in individuals affected with HK1-related conditions. ClinVar contains an entry for this variant (Variation ID: 1404973). Advanced modeling of protein sequence and biophysical properties (such as structural, functional, and spatial information, amino acid conservation, physicochemical variation, residue mobility, and thermodynamic stability) has been performed at Invitae for this missense variant, however the output from this modeling did not meet the statistical confidence thresholds required to predict the impact of this variant on HK1 protein function. In summary, the available evidence is currently insufficient to determine the role of this variant in disease. Therefore, it has been classified as a Variant of Uncertain Significance.

Blueprint Genetics
Classification: Uncertain significance. Last evaluated: 2018-02-13. Review status: criteria provided, single submitter. Criteria: ACMG Guidelines, 2015. Collection method: clinical testing. Allele origin: germline.

NM_000188.3(HK1):c.2560C>G (p.Leu854Val)

Gene: HK1 (hexokinase 1; plus strand). Cytogenetic location: 10q22.1.
Variant type: single nucleotide variant.
Coding change: c.2560C>G on transcript NM_000188.3 (MANE Select); coding-DNA position 2560, C replaced by G.
Protein change: p.Leu854Val; replaces leucine 854 with valine.
Molecular consequence: missense variant.
Genome position (GRCh38, 1-based): chr10:69,398,779, C>G. VCF-style: chr10-69398779-C-G. GRCh37 (hg19) VCF-style: chr10-71158535-C-G.
Other names: c.2560C>G (NM_000188.2); c.2572C>G, p.Leu858Val (NM_001322364.2, NM_001358263.1, NM_033497.3 and 1 more transcripts); c.2665C>G, p.Leu889Val (NM_001322365.2); c.2476C>G, p.Leu826Val (NM_001322366.1); c.2464C>G, p.Leu822Val (NM_001322367.1); c.2557C>G, p.Leu853Val (NM_033496.3); c.2524C>G, p.Leu842Val (NM_033500.2); short protein forms L842V, L889V, L854V, L822V, L858V, L826V, L853V.
Identifiers: ClinVar variation 1404973 (VCV001404973.10), dbSNP rs776178081, ClinGen allele CA5532881.